The following is an entry in ClinVar:

ClinVar aggregate classification (germline): Uncertain significance (1 of 4 stars; one submission).

Allele frequency attached by ClinVar (database versions not stated): gnomAD exomes below 0.00001.

Submission:

Labcorp Genetics (formerly Invitae), Labcorp
Classification: Uncertain significance. Last evaluated: 2021-10-07. Review status: criteria provided, single submitter. Criteria: Invitae Variant Classification Sherloc (09022015). Collection method: clinical testing. Allele origin: germline.
Comment: Algorithms developed to predict the effect of missense changes on protein structure and function are either unavailable or do not agree on the potential impact of this missense change (SIFT: "Deleterious"; PolyPhen-2: "Benign"; Align-GVGD: "Class C0"). In summary, the available evidence is currently insufficient to determine the role of this variant in disease. Therefore, it has been classified as a Variant of Uncertain Significance. This variant has not been reported in the literature in individuals affected with CEP135-related conditions. This sequence change replaces phenylalanine with serine at codon 652 of the CEP135 protein (p.Phe652Ser). The phenylalanine residue is weakly conserved and there is a large physicochemical difference between phenylalanine and serine. This variant is not present in population databases (ExAC no frequency).

NM_025009.5(CEP135):c.1955T>C (p.Phe652Ser)

Gene: CEP135 (centrosomal protein 135; plus strand). Cytogenetic location: 4q12.
Variant type: single nucleotide variant.
Coding change: c.1955T>C on transcript NM_025009.5 (MANE Select); coding-DNA position 1955, T replaced by C.
Protein change: p.Phe652Ser; replaces phenylalanine 652 with serine.
Molecular consequence: missense variant.
Genome position (GRCh38, 1-based): chr4:55,992,031, T>C. VCF-style: chr4-55992031-T-C. GRCh37 (hg19) VCF-style: chr4-56858197-T-C.
Other names: short protein forms F652S.
Identifiers: ClinVar variation 1493574 (VCV001493574.6), dbSNP rs1280897267, ClinGen allele CA356994996.